The following is an entry in ClinVar:

NM_001001433.3(STX16):c.-550G>A

Genes: STX16 (syntaxin 16; plus strand), STX16-NPEPL1 (STX16-NPEPL1 readthrough (NMD candidate); plus strand). Cytogenetic location: 20q13.32.
Variant type: single nucleotide variant.
Coding change: c.-550G>A on transcript NM_001001433.3 (MANE Select); 550 bases upstream of the start codon, G replaced by A.
Molecular consequence: 5 prime UTR variant. On other transcripts: non-coding transcript variant (2), intron variant (1).
Genome position (GRCh38, 1-based): chr20:58,651,457, G>A. VCF-style: chr20-58651457-G-A. GRCh37 (hg19) VCF-style: chr20-57226513-G-A.
Other names: c.-550G>A (NM_001134772.3, NM_001134773.3, NM_003763.6); c.-94+23G>A (NM_001204868.2).
Identifiers: ClinVar variation 339033 (VCV000339033.5), dbSNP rs148071494, ClinGen allele CA10650048.

ClinVar aggregate classification (germline): Benign (1 of 4 stars; one submission).

Conditions:
Pseudohypoparathyroidism type 1B (PHP1B). Also called: PHP IB; Pseudohypoparathyroidism Ib (PHP-Ib); Pseudohypoparathyroidism Type IB. Identifiers: Orphanet 94089, MedGen C1864100, MONDO:0011301, OMIM 603233.

Allele frequency attached by ClinVar (database versions not stated): gnomAD 0.00032 and 0.00034; 1000 Genomes Project 30x 0.00047; gnomAD exomes 0.00055; TOPMed 0.00059; 1000 Genomes Project 0.00060.
gnomAD v4.1: 54 of 154,226 alleles (0.035%); highest among the groups gnomAD compares: Admixed American, 0.24%; no homozygotes.

Submission:

Illumina Laboratory Services, Illumina
Classification: Benign for Pseudohypoparathyroidism type 1B. Last evaluated: 2018-01-13. Review status: criteria provided, single submitter. Criteria: ICSL Variant Classification Criteria 13 December 2019. Collection method: clinical testing. Allele origin: germline.
Comment: This variant was observed in the ICSL laboratory as part of a predisposition screen in an ostensibly healthy population. It had not been previously curated by ICSL or reported in the Human Gene Mutation Database (HGMD: prior to June 1st, 2018), and was therefore a candidate for classification through an automated scoring system. Utilizing variant allele frequency, disease prevalence and penetrance estimates, and inheritance mode, an automated score was calculated to assess if this variant is too frequent to cause the disease. Based on the score and internal cut-off values, a variant classified as benign is not then subjected to further curation. The score for this variant resulted in a classification of benign for this disease.